The following is an entry in ClinVar:

ClinVar aggregate classification (germline): Conflicting classifications of pathogenicity. Review status: criteria provided, conflicting classifications (1 of 4 stars). 2 submissions from 2 submitters: Likely pathogenic (1); Uncertain significance (1). Last evaluated 2022-06-24.

Conditions:
Thrombophilia due to protein C deficiency, autosomal dominant. Also called: PROC DEFICIENCY, AUTOSOMAL DOMINANT; PROTEIN C DEFICIENCY, AUTOSOMAL DOMINANT. Identifiers: Orphanet 745, MedGen C2674321, MONDO:0008316, OMIM 176860. Disease mechanism: loss of function.
Thrombophilia due to protein C deficiency, autosomal recessive. Also called: PROC DEFICIENCY, AUTOSOMAL RECESSIVE; PROTEIN C DEFICIENCY, AUTOSOMAL RECESSIVE. Identifiers: Orphanet 745, MedGen C2676759, MONDO:0012860, OMIM 612304.

Allele frequency attached by ClinVar (database versions not stated): gnomAD 0.00001; TOPMed 0.00001; gnomAD exomes 0.00002; ExAC 0.00006.
gnomAD v4.1: 27 of 1,613,754 alleles (0.0017%); highest among the groups gnomAD compares: South Asian, 0.03%; no homozygotes.

Submissions (2):

Victorian Clinical Genetics Services, Murdoch Childrens Research Institute
Classification: Likely pathogenic for Thrombophilia due to protein C deficiency, autosomal recessive. Last evaluated: 2022-06-24. Review status: criteria provided, single submitter. Criteria: ACMG Guidelines, 2015. Collection method: clinical testing. Allele origin: germline. Inheritance: Autosomal recessive inheritance. Affected: yes.
Comment: Based on the classification scheme VCGS_Germline_v1.3.4, this variant is classified as Likely pathogenic. Following criteria are met: 0102 - Loss of function is a known mechanism of disease in this gene and is associated with autosomal dominant thrombophilia due to protein C deficiency (MIM#176860) and autosomal recessive thrombophilia due to protein C deficiency (MIM#612304). (I) 0108 - This gene is associated with both recessive and dominant disease. Autosomal recessive inheritance is extremely rare and cause life-threatening disorders, whereas autosomal dominant inheritance is more common and leads to increased risk for venous thromboembolism and recurrent thrombosis (PMID: 31821907). (I) 0200 - Variant is predicted to result in a missense amino acid change from tyrosine to histidine. (I) 0252 - This variant is homozygous. (I) 0304 - Variant is present in gnomAD <0.01 for a recessive condition (11 heterozygotes, 0 homozygotes). (SP) 0501 - Missense variant consistently predicted to be damaging by multiple in silico tools or highly conserved with a major amino acid change. (SP) 0600 - Variant is located in the annotated Trypsin-like serine protease domain (NCBI). (I) 0705 - No comparable missense variants have previous evidence for pathogenicity. (I) 0809 - Previous evidence of pathogenicity for this variant is inconclusive. This variant has been previosuly observed as heterozygous in an individual with cerebral palsy and bilateral periventricular white matter hyperintensity on MRI (PMID: 31700678). (I) 0905 - No published segregation evidence has been identified for this variant. (I) 1005 - Clinically accredited laboratory assay specific to gene product shows abnormal protein function (VCGS). (SP) 1007 - No published functional evidence has been identified for this variant. (I) 1102 - Strong phenotype match for this individual. (I) Legend: (SP) - Supporting pathogenic, (I) - Information, (SB) - Supporting benign

Labcorp Genetics (formerly Invitae), Labcorp
Classification: Uncertain significance for Thrombophilia due to protein C deficiency, autosomal dominant. Last evaluated: 2022-06-07. Review status: criteria provided, single submitter. Criteria: Invitae Variant Classification Sherloc (09022015). Collection method: clinical testing. Allele origin: germline.
Comment: This sequence change replaces tyrosine, which is neutral and polar, with histidine, which is basic and polar, at codon 441 of the PROC protein (p.Tyr441His). This variant is present in population databases (rs753436021, gnomAD 0.03%). This missense change has been observed in individual(s) with protein C deficiency (PMID: 7865674). This variant is also known as Tyr399His. Algorithms developed to predict the effect of missense changes on protein structure and function are either unavailable or do not agree on the potential impact of this missense change (SIFT: "Deleterious"; PolyPhen-2: "Probably Damaging"; Align-GVGD: "Class C0"). In summary, the available evidence is currently insufficient to determine the role of this variant in disease. Therefore, it has been classified as a Variant of Uncertain Significance.

Literature cited by the submitters: PubMed 31700678 (cited by Victorian Clinical Genetics Services, Murdoch Childrens Research Institute); PubMed 31821907 (cited by Victorian Clinical Genetics Services, Murdoch Childrens Research Institute); PubMed 7865674 (cited by Labcorp Genetics (formerly Invitae), Labcorp).

NM_000312.4(PROC):c.1321T>C (p.Tyr441His)

Gene: PROC (protein C, inactivator of coagulation factors Va and VIIIa; plus strand). Cytogenetic location: 2q14.3.
Variant type: single nucleotide variant.
Coding change: c.1321T>C on transcript NM_000312.4 (MANE Select); coding-DNA position 1321, T replaced by C.
Protein change: p.Tyr441His; replaces tyrosine 441 with histidine.
Molecular consequence: missense variant.
Genome position (GRCh38, 1-based): chr2:127,428,881, T>C. VCF-style: chr2-127428881-T-C. GRCh37 (hg19) VCF-style: chr2-128186457-T-C.
Other names: c.1504T>C, p.Tyr502His (NM_001375602.1); c.1486T>C, p.Tyr496His (NM_001375603.1); c.1384T>C, p.Tyr462His (NM_001375604.1); c.1423T>C, p.Tyr475His (NM_001375605.1); c.1489T>C, p.Tyr497His (NM_001375606.1); c.1507T>C, p.Tyr503His (NM_001375607.1); c.1264T>C, p.Tyr422His (NM_001375608.1); c.1297T>C, p.Tyr433His (NM_001375609.1); and 2 more; short protein forms Y462H, Y475H, Y496H, Y497H, Y422H, Y433H, Y439H, Y502H.
Identifiers: ClinVar variation 1947958 (VCV001947958.3), dbSNP rs753436021, ClinGen allele CA1859567.